The following is an entry in ClinVar:

NM_001167.4(XIAP):c.969G>A (p.Trp323Ter)

Gene: XIAP (X-linked inhibitor of apoptosis; plus strand). Cytogenetic location: Xq25.
Variant type: single nucleotide variant.
Coding change: c.969G>A on transcript NM_001167.4 (MANE Select); coding-DNA position 969, G replaced by A.
Protein change: p.Trp323Ter; replaces tryptophan 323 with a stop codon.
Molecular consequence: nonsense. On other transcripts: non-coding transcript variant (2).
Genome position (GRCh38, 1-based): chrX:123,888,710, G>A. VCF-style: chrX-123888710-G-A. GRCh37 (hg19) VCF-style: chrX-123022560-G-A.
Other names: c.969G>A, p.Trp323Ter (NM_001204401.2, NM_001378590.1, NM_001378591.1 and 1 more transcripts); short protein forms W323*.
Identifiers: ClinVar variation 3255350 (VCV003255350.1).

ClinVar aggregate classification (germline): Pathogenic (1 of 4 stars; one submission).

Conditions:
X-linked lymphoproliferative disease due to XIAP deficiency. Also called: XIAP-Related Lymphoproliferative Disease, X-Linked; XIAP DEFICIENCY. Identifiers: Orphanet 2442, Orphanet 538934, MedGen C1845076, MONDO:0010385, OMIM 300635.

Submission:

Aleixo Muise Laboratory, Hospital For Sick Children
Classification: Pathogenic for X-linked lymphoproliferative disease due to XIAP deficiency. Last evaluated: 2024-07-05. Review status: criteria provided, single submitter. Criteria: ACMG Guidelines, 2015. Collection method: research. Allele origin: germline. Affected: yes. Observed: 1 variant allele.
Comment: PVS1;PM2;PM3;PM5;PP3;PP4